The following is an entry in ClinVar:

NM_020975.6(RET):c.2372A>G (p.Tyr791Cys)

Gene: RET (ret proto-oncogene; plus strand). Cytogenetic location: 10q11.21.
Variant type: single nucleotide variant.
Coding change: c.2372A>G on transcript NM_020975.6 (MANE Select); coding-DNA position 2372, A replaced by G.
Protein change: p.Tyr791Cys; replaces tyrosine 791 with cysteine.
Molecular consequence: missense variant.
Genome position (GRCh38, 1-based): chr10:43,118,460, A>G. VCF-style: chr10-43118460-A-G. GRCh37 (hg19) VCF-style: chr10-43613908-A-G.
Other names: c.2372A>G, p.Tyr791Cys (NM_000323.2, NM_001406743.1, NM_001406744.1 and 4 more transcripts); c.1610A>G, p.Tyr537Cys (NM_001355216.2); c.2243A>G, p.Tyr748Cys (NM_001406761.1, NM_001406762.1, NM_001406764.1); c.2237A>G, p.Tyr746Cys (NM_001406763.1, NM_001406765.1); c.2084A>G, p.Tyr695Cys (NM_001406766.1, NM_001406767.1, NM_001406770.1); c.2108A>G, p.Tyr703Cys (NM_001406768.1); c.1976A>G, p.Tyr659Cys (NM_001406769.1, NM_001406772.1); c.1934A>G, p.Tyr645Cys (NM_001406771.1, NM_001406773.1); and 10 more; short protein forms Y537C, Y791C, Y396C, Y461C, Y659C, Y492C, Y549C, Y616C.
Identifiers: ClinVar variation 1479171 (VCV001479171.13), dbSNP rs77724903, ClinGen allele CA376555872.
Genomic context (GRCh38, chr10:43,118,460, plus strand): 5'-ACCTGCTGTCAGAGTTCAACGTCCTGAAGCAGGTCAACCACCCACATGTCATCAAATTGT[A>G]TGGGGCCTGCAGCCAGGATGGTAAGGCCAGCTGCAGGGTGAGGTGGGCAGCCACTGCACC-3'
Protein context (NP_066124.1, residues 781-801): QVNHPHVIKL[Tyr791Cys]GACSQDGPLL

ClinVar aggregate classification (germline): Uncertain significance. Review status: criteria provided, multiple submitters, no conflicts (2 of 4 stars). 3 submissions from 3 submitters: Uncertain significance (3). Last evaluated 2025-04-23.

Conditions:
Hereditary cancer-predisposing syndrome. Also called: Tumor predisposition; Hereditary neoplastic syndrome; Hereditary Cancer Syndrome; Neoplastic Syndromes, Hereditary. Identifiers: Orphanet 140162, MedGen C0027672, MeSH D009386, MONDO:0015356.
Multiple endocrine neoplasia, type 2 (MEN2). Identifiers: Orphanet 653, MedGen C4048306, MONDO:0019003. Disease mechanism: gain of function.

Submissions (3):

Labcorp Genetics (formerly Invitae), Labcorp
Classification: Uncertain significance for Multiple endocrine neoplasia, type 2. Last evaluated: 2025-04-23. Review status: criteria provided, single submitter. Criteria: Invitae Variant Classification Sherloc (09022015). Collection method: clinical testing. Allele origin: germline.
Comment: This sequence change replaces tyrosine, which is neutral and polar, with cysteine, which is neutral and slightly polar, at codon 791 of the RET protein (p.Tyr791Cys). This variant is present in population databases (no rsID available, gnomAD 0.003%). This variant has not been reported in the literature in individuals affected with RET-related conditions. ClinVar contains an entry for this variant (Variation ID: 1479171). An algorithm developed to predict the effect of missense changes on protein structure and function (PolyPhen-2) suggests that this variant is likely to be disruptive. In summary, the available evidence is currently insufficient to determine the role of this variant in disease. Therefore, it has been classified as a Variant of Uncertain Significance.

Ambry Genetics
Classification: Uncertain significance for Hereditary cancer-predisposing syndrome. Last evaluated: 2024-06-02. Review status: criteria provided, single submitter. Criteria: Ambry Variant Classification Scheme 2023. Collection method: clinical testing. Allele origin: germline.
Comment: The p.Y791C variant (also known as c.2372A>G), located in coding exon 13 of the RET gene, results from an A to G substitution at nucleotide position 2372. The tyrosine at codon 791 is replaced by cysteine, an amino acid with highly dissimilar properties. This amino acid position is not well conserved in available vertebrate species. In addition, this alteration is predicted to be deleterious by in silico analysis. Since supporting evidence is limited at this time, the clinical significance of this alteration remains unclear.

Blueprint Genetics
Classification: Uncertain significance. Last evaluated: 2021-10-26. Review status: criteria provided, single submitter. Criteria: ACMG Guidelines, 2015. Collection method: clinical testing. Allele origin: germline.